The following is an entry in ClinVar:

ClinVar aggregate classification (germline): Uncertain significance (1 of 4 stars; one submission).

Submission:

Ambry Genetics
Classification: Uncertain significance. Last evaluated: 2025-08-14. Review status: criteria provided, single submitter. Criteria: Ambry Variant Classification Scheme 2023. Collection method: clinical testing. Allele origin: germline.
Comment: The p.G459E variant (also known as c.1376G>A), located in coding exon 8 of the ATRIP gene, results from a G to A substitution at nucleotide position 1376. The glycine at codon 459 is replaced by glutamic acid, an amino acid with similar properties. This amino acid position is conserved. In addition, this alteration is predicted to be tolerated by in silico analysis. Based on the available evidence, the clinical significance of this variant remains unclear.

NM_130384.3(ATRIP):c.1376G>A (p.Gly459Glu)

Genes: ATRIP (ATR interacting protein; plus strand), ATRIP-TREX1 (ATRIP-TREX1 readthrough; plus strand). Cytogenetic location: 3p21.31.
Variant type: single nucleotide variant.
Coding change: c.1376G>A on transcript NM_130384.3 (MANE Select); coding-DNA position 1376, G replaced by A.
Protein change: p.Gly459Glu; replaces glycine 459 with glutamic acid.
Molecular consequence: missense variant. On other transcripts: non-coding transcript variant (1).
Genome position (GRCh38, 1-based): chr3:48,460,430, G>A. VCF-style: chr3-48460430-G-A. GRCh37 (hg19) VCF-style: chr3-48501829-G-A.
Other names: c.995G>A, p.Gly332Glu (NM_001271022.2); c.1097G>A, p.Gly366Glu (NM_001271023.2); c.1376G>A, p.Gly459Glu (NM_032166.4); short protein forms G332E, G366E, G459E.
Identifiers: ClinVar variation 4182505 (VCV004182505.1).